The following is an entry in ClinVar:

ClinVar aggregate classification (germline): Conflicting classifications of pathogenicity. Review status: criteria provided, conflicting classifications (1 of 4 stars). 10 submissions from 10 submitters: Uncertain significance (2); Benign (2); Likely benign (5). 1 of the submissions does not count toward it. Last evaluated 2026-01-19.

Conditions:
Hyperplastic polyposis syndrome. Identifiers: Orphanet 157798, MedGen C4296896, MONDO:0015524.
Hereditary cancer. Identifiers: MedGen C1333600.
RNF43-related disorder. Also called: RNF43-related condition.

Allele frequency attached by ClinVar (database versions not stated): ESP Exome Variant Server 0.00038; gnomAD 0.00046; TOPMed 0.00046; ExAC 0.00049; gnomAD exomes 0.00063.
gnomAD v4.1: 625 of 1,613,222 alleles (0.039%); highest among the groups gnomAD compares: Middle Eastern, 0.41%; 2 homozygotes.

Submissions (10):

Labcorp Genetics (formerly Invitae), Labcorp
Classification: Benign. Last evaluated: 2026-01-19. Review status: criteria provided, single submitter. Criteria: Invitae Variant Classification Sherloc (09022015). Collection method: clinical testing. Allele origin: germline.

Center for Genomic Medicine, Rigshospitalet, Copenhagen University Hospital
Classification: Uncertain significance. Last evaluated: 2025-12-29. Review status: criteria provided, single submitter. Criteria: ACMG Guidelines, 2015. Collection method: clinical testing. Allele origin: germline.

Ambry Genetics
Classification: Likely benign. Last evaluated: 2025-06-10. Review status: criteria provided, single submitter. Criteria: Ambry Variant Classification Scheme 2023. Collection method: clinical testing. Allele origin: germline.

Mayo Clinic Laboratories, Mayo Clinic
Classification: Likely benign. Last evaluated: 2025-01-20. Review status: criteria provided, single submitter. Criteria: ACMG Guidelines, 2015. Collection method: clinical testing. Allele origin: germline. Observed: 2 variant alleles.
Comment: BP1, BP4_moderate

Blueprint Genetics
Classification: Likely benign. Last evaluated: 2024-09-25. Review status: criteria provided, single submitter. Criteria: ACMG Guidelines, 2015. Collection method: clinical testing. Allele origin: germline.

CeGaT Center for Human Genetics Tuebingen
Classification: Likely benign. Last evaluated: 2024-04-01. Review status: criteria provided, single submitter. Criteria: CeGaT Center For Human Genetics Tuebingen Variant Classification Criteria Version 2. Collection method: clinical testing. Allele origin: germline. Affected: yes. Observed: 1 variant allele.
Comment: RNF43: BS1

Mendelics
Classification: Likely benign for Hereditary cancer. Last evaluated: 2024-01-23. Review status: criteria provided, single submitter. Criteria: ACMG Guidelines, 2015. Collection method: clinical testing. Allele origin: unknown.

Department of Pathology and Laboratory Medicine, Sinai Health System
Classification: Uncertain significance for Hyperplastic polyposis syndrome. Last evaluated: 2022-07-11. Review status: criteria provided, single submitter. Criteria: ACMG Guidelines, 2015. Collection method: clinical testing. Allele origin: germline. Affected: yes.

Breakthrough Genomics
Classification: Benign. Review status: criteria provided, single submitter. Criteria: ACMG Guidelines, 2015. Collection method: not provided. Allele origin: germline. Inheritance: Autosomal dominant inheritance. Affected: yes.

PreventionGenetics, part of Exact Sciences
Classification: Likely benign for RNF43-related condition. Last evaluated: 2019-11-13. Review status: no assertion criteria provided. Collection method: clinical testing. Allele origin: germline. Not counted in ClinVar's aggregate classification.
Comment: This variant is classified as likely benign based on ACMG/AMP sequence variant interpretation guidelines (Richards et al. 2015 PMID: 25741868, with internal and published modifications).

NM_017763.6(RNF43):c.575C>T (p.Pro192Leu)

Gene: RNF43 (ring finger protein 43; minus strand). Cytogenetic location: 17q22.
Variant type: single nucleotide variant.
Coding change: c.575C>T on transcript NM_017763.6 (MANE Select); coding-DNA position 575, C replaced by T.
Protein change: p.Pro192Leu; replaces proline 192 with leucine.
Molecular consequence: missense variant.
Genome position (GRCh38, 1-based): chr17:58,363,282, G>A on the plus strand (C>T on the coding strand, the complement: RNF43 is on the minus strand). VCF-style: chr17-58363282-G-A. GRCh37 (hg19) VCF-style: chr17-56440643-G-A.
Other names: p.Pro192Leu; c.194C>T, p.Pro65Leu (NM_001305545.2); c.575C>T, p.Pro192Leu (NM_001305544.3); c.575C>T (NM_017763.4); short protein forms P192L, P65L.
Identifiers: ClinVar variation 1167972 (VCV001167972.45), dbSNP rs139557480, ClinGen allele CA8673386.